The following is an entry in ClinVar:

NM_000478.6(ALPL):c.824T>C (p.Leu275Pro)

Gene: ALPL (alkaline phosphatase, biomineralization associated; plus strand). Cytogenetic location: 1p36.12.
Variant type: single nucleotide variant.
Coding change: c.824T>C on transcript NM_000478.6 (MANE Select); coding-DNA position 824, T replaced by C.
Protein change: p.Leu275Pro; replaces leucine 275 with proline.
Molecular consequence: missense variant.
Genome position (GRCh38, 1-based): chr1:21,570,336, T>C. VCF-style: chr1-21570336-T-C. GRCh37 (hg19) VCF-style: chr1-21896829-T-C.
Other names: c.659T>C, p.Leu220Pro (NM_001127501.4); c.593T>C, p.Leu198Pro (NM_001177520.3); c.824T>C, p.Leu275Pro (NM_001369803.2, NM_001369804.2, NM_001369805.2); short protein forms L220P, L275P, L198P.
Identifiers: ClinVar variation 943632 (VCV000943632.12), dbSNP rs1237252052, ClinGen allele CA338879935.

ClinVar aggregate classification (germline): Pathogenic/Likely pathogenic. Review status: criteria provided, multiple submitters, no conflicts (2 of 4 stars). 3 submissions from 3 submitters: Pathogenic (1); Likely pathogenic (2). Last evaluated 2026-09-01.

Conditions:
Hypophosphatasia. Also called: Phosphoethanol-aminuria. Identifiers: Orphanet 436, MedGen C0020630, MeSH D007014, MONDO:0018570.
Adult hypophosphatasia. Identifiers: Orphanet 247676, Orphanet 436, MedGen C0268413, MONDO:1010154, OMIM 146300, MONDO:0007798.

Allele frequency attached by ClinVar (database versions not stated): gnomAD exomes below 0.00001 and 0.00001.
gnomAD v4.1: 3 of 1,614,088 alleles (0.00019%); highest among the groups gnomAD compares: Non-Finnish European, 0.00025%; no homozygotes.

Submissions (3):

Genomenon, Inc
Classification: Likely pathogenic for Hypophosphatasia. Last evaluated: 2026-09-01. Review status: criteria provided, single submitter. Criteria: Genomenon Sequence Variant Interpretation Standards - Updated. Collection method: curation. Allele origin: germline. Affected: yes.
Comment: ALPL p.Leu275Pro (c.824T>C) is a missense variant that changes the amino acid at codon 275 from Leucine to Proline. This variant has been observed in at least one proband affected with an ALPL-related disorder (PMID:11760847). At least one functional study has demonstrated a substantial alteration in protein function relative to the wild-type (PMID:11760847). It is absent or not present at a significant frequency in gnomAD. In silico models predict that this variant is possibly or probably damaging. In conclusion, we classify ALPL p.Leu275Pro (c.824T>C) as a likely pathogenic variant.

Labcorp Genetics (formerly Invitae), Labcorp
Classification: Pathogenic. Last evaluated: 2024-02-03. Review status: criteria provided, single submitter. Criteria: Invitae Variant Classification Sherloc (09022015). Collection method: clinical testing. Allele origin: germline.
Comment: This sequence change replaces leucine, which is neutral and non-polar, with proline, which is neutral and non-polar, at codon 275 of the ALPL protein (p.Leu275Pro). This variant is present in population databases (no rsID available, gnomAD 0.0009%). This missense change has been observed in individual(s) with hypophosphatasia (PMID: 11760847). In at least one individual the data is consistent with being in trans (on the opposite chromosome) from a pathogenic variant. This variant is also known as L258P. ClinVar contains an entry for this variant (Variation ID: 943632). Advanced modeling of protein sequence and biophysical properties (such as structural, functional, and spatial information, amino acid conservation, physicochemical variation, residue mobility, and thermodynamic stability) performed at Invitae indicates that this missense variant is expected to disrupt ALPL protein function with a positive predictive value of 95%. Experimental studies have shown that this missense change affects ALPL function (PMID: 11760847). For these reasons, this variant has been classified as Pathogenic.

Baylor Genetics
Classification: Likely pathogenic for Adult hypophosphatasia. Last evaluated: 2023-11-13. Review status: criteria provided, single submitter. Criteria: ACMG Guidelines, 2015. Collection method: clinical testing. Allele origin: unknown.

Literature cited by the submitters: PubMed 11760847 (cited by Genomenon, Inc and Labcorp Genetics (formerly Invitae), Labcorp).